The following is an entry in ClinVar:

ClinVar aggregate classification (germline): Likely benign (0 of 4 stars; one submission).

Conditions:
TRIM32-related disorder. Also called: TRIM32-related condition.

gnomAD v4.1: 2 of 1,614,188 alleles (0.00012%); highest among the groups gnomAD compares: Non-Finnish European, 0.00017%; no homozygotes.

Submission:

PreventionGenetics, part of Exact Sciences
Classification: Likely benign for TRIM32-related condition. Last evaluated: 2023-07-03. Review status: no assertion criteria provided. Collection method: clinical testing. Allele origin: germline.
Comment: This variant is classified as likely benign based on ACMG/AMP sequence variant interpretation guidelines (Richards et al. 2015 PMID: 25741868, with internal and published modifications).

NM_012210.4(TRIM32):c.435G>T (p.Arg145=)

Genes: ASTN2 (astrotactin 2; minus strand), TRIM32 (tripartite motif containing 32; plus strand). Cytogenetic location: 9q33.1.
Variant type: single nucleotide variant.
Coding change: c.435G>T on transcript NM_012210.4 (MANE Select); coding-DNA position 435, G replaced by T.
Protein change: p.Arg145=; no amino-acid change (arginine 145 retained).
Molecular consequence: synonymous variant. On other transcripts: intron variant (3).
Genome position (GRCh38, 1-based): chr9:116,698,177, G>T. VCF-style: chr9-116698177-G-T. GRCh37 (hg19) VCF-style: chr9-119460456-G-T.
Other names: c.435G>T, p.Arg145= (NM_001099679.2, NM_001379048.1, NM_001379049.1 and 1 more transcripts); c.2653+27594C>A (NM_014010.5); c.2794+27594C>A (NM_001365069.1); c.2806+27594C>A (NM_001365068.1).
Identifiers: ClinVar variation 3355947 (VCV003355947.1).